The following is an entry in ClinVar:

NM_001540.5(HSPB1):c.177_183del (p.Ala61fs)

Gene: HSPB1 (heat shock protein family B (small) member 1; plus strand). Cytogenetic location: 7q11.23.
Variant type: Deletion.
Coding change: c.177_183del on transcript NM_001540.5 (MANE Select); coding-DNA positions 177 to 183, 7 bases deleted (CCCCGCC; older notation c.177_183delCCCCGCC).
Protein change: p.Ala61fs; shifts the reading frame from alanine 61.
Molecular consequence: frameshift variant.
Genome position (GRCh38, 1-based): chr7:76,302,889-76,302,895, CCCCGCC deleted; deleting any 7 consecutive bases within chr7:76,302,886-76,302,895 gives the same sequence; the c. name uses the placement nearest the transcript's 3' end. VCF-style (leftmost placement, unchanged base first): chr7-76302885-TGCCCCCC-T. GRCh37 (hg19) VCF-style: chr7-75932202-TGCCCCCC-T.
Other names: short protein forms A61fs.
Identifiers: ClinVar variation 3617950 (VCV003617950.2).
Genomic context (GRCh38, chr7:76,302,885, plus strand): 5'-TGCCGGAGGAGTGGTCGCAGTGGTTAGGCGGCAGCAGCTGGCCAGGCTACGTGCGCCCCC[TGCCCCCC>T]GCCGCCATCGAGAGCCCCGCAGTGGCCGCGCCCGCCTACAGCCGCGCGCTCAGCCGGCAA-3'

ClinVar aggregate classification (germline): Uncertain significance (1 of 4 stars; one submission).

Conditions:
Charcot-Marie-Tooth disease axonal type 2F (CMT2F). Also called: CHARCOT-MARIE-TOOTH DISEASE, NEURONAL, TYPE 2F; Charcot-Marie-Tooth Neuropathy Type 2F. Identifiers: Orphanet 99940, MedGen C1847823, MONDO:0011687, OMIM 606595.

Submission:

Labcorp Genetics (formerly Invitae), Labcorp
Classification: Uncertain significance for Charcot-Marie-Tooth disease axonal type 2F. Last evaluated: 2024-03-16. Review status: criteria provided, single submitter. Criteria: Invitae Variant Classification Sherloc (09022015). Collection method: clinical testing. Allele origin: germline.
Comment: This sequence change creates a premature translational stop signal (p.Ala61Serfs*47) in the HSPB1 gene. It is expected to result in an absent or disrupted protein product. However, the current clinical and genetic evidence is not sufficient to establish whether loss-of-function variants in HSPB1 cause disease. This variant is not present in population databases (gnomAD no frequency). This variant has not been reported in the literature in individuals affected with HSPB1-related conditions. In summary, the available evidence is currently insufficient to determine the role of this variant in disease. Therefore, it has been classified as a Variant of Uncertain Significance.